The following is an entry in ClinVar:

NM_005144.5(HR):c.1439C>T (p.Pro480Leu)

Gene: HR (HR lysine demethylase and nuclear receptor corepressor; minus strand). Cytogenetic location: 8p21.3.
Variant type: single nucleotide variant.
Coding change: c.1439C>T on transcript NM_005144.5 (MANE Select); coding-DNA position 1439, C replaced by T.
Protein change: p.Pro480Leu; replaces proline 480 with leucine.
Molecular consequence: missense variant.
Genome position (GRCh38, 1-based): chr8:22,125,699, G>A on the plus strand (C>T on the coding strand, the complement: HR is on the minus strand). VCF-style: chr8-22125699-G-A. GRCh37 (hg19) VCF-style: chr8-21983212-G-A.
Other names: c.1439C>T, p.Pro480Leu (NM_018411.4); short protein forms P480L.
Identifiers: ClinVar variation 3858631 (VCV003858631.2).

ClinVar aggregate classification (germline): Uncertain significance. Review status: criteria provided, multiple submitters, no conflicts (2 of 4 stars). 2 submissions from 2 submitters: Uncertain significance (2). Last evaluated 2025-05-30.

Conditions:
Inborn genetic diseases. Identifiers: MedGen C0950123, MeSH D030342.

gnomAD v4.1: 73 of 1,613,882 alleles (0.0045%); highest among the groups gnomAD compares: African/African-American, 0.077%; no homozygotes.

Submissions (2):

Labcorp Genetics (formerly Invitae), Labcorp
Classification: Uncertain significance. Last evaluated: 2025-05-30. Review status: criteria provided, single submitter. Criteria: Invitae Variant Classification Sherloc (09022015). Collection method: clinical testing. Allele origin: germline.
Comment: This sequence change replaces proline, which is neutral and non-polar, with leucine, which is neutral and non-polar, at codon 480 of the HR protein (p.Pro480Leu). This variant is present in population databases (rs141129100, gnomAD 0.08%). This variant has not been reported in the literature in individuals affected with HR-related conditions. ClinVar contains an entry for this variant (Variation ID: 3858631). An algorithm developed to predict the effect of missense changes on protein structure and function outputs the following: PolyPhen-2: "Benign". The leucine amino acid residue is found in multiple mammalian species, which suggests that this missense change does not adversely affect protein function. In summary, the available evidence is currently insufficient to determine the role of this variant in disease. Therefore, it has been classified as a Variant of Uncertain Significance.

Ambry Genetics
Classification: Uncertain significance for Inborn genetic diseases. Last evaluated: 2025-01-21. Review status: criteria provided, single submitter. Criteria: Ambry Variant Classification Scheme 2023. Collection method: clinical testing. Allele origin: germline.